The following is an entry in ClinVar:

ClinVar aggregate classification (germline): Uncertain significance (1 of 4 stars; one submission).

Allele frequency attached by ClinVar (database versions not stated): gnomAD exomes below 0.00001.

Submission:

Labcorp Genetics (formerly Invitae), Labcorp
Classification: Uncertain significance. Last evaluated: 2023-09-22. Review status: criteria provided, single submitter. Criteria: Invitae Variant Classification Sherloc (09022015). Collection method: clinical testing. Allele origin: germline.
Comment: This sequence change replaces arginine, which is basic and polar, with glutamine, which is neutral and polar, at codon 708 of the MTOR protein (p.Arg708Gln). This variant is present in population databases (no rsID available, gnomAD 0.006%). This variant has not been reported in the literature in individuals affected with MTOR-related conditions. Advanced modeling of protein sequence and biophysical properties (such as structural, functional, and spatial information, amino acid conservation, physicochemical variation, residue mobility, and thermodynamic stability) performed at Invitae indicates that this missense variant is not expected to disrupt MTOR protein function. In summary, the available evidence is currently insufficient to determine the role of this variant in disease. Therefore, it has been classified as a Variant of Uncertain Significance.

NM_004958.4(MTOR):c.2123G>A (p.Arg708Gln)

Gene: MTOR (mechanistic target of rapamycin kinase; minus strand). Cytogenetic location: 1p36.22.
Variant type: single nucleotide variant.
Coding change: c.2123G>A on transcript NM_004958.4 (MANE Select); coding-DNA position 2123, G replaced by A.
Protein change: p.Arg708Gln; replaces arginine 708 with glutamine.
Molecular consequence: missense variant.
Genome position (GRCh38, 1-based): chr1:11,237,928, C>T on the plus strand (G>A on the coding strand, the complement: MTOR is on the minus strand). VCF-style: chr1-11237928-C-T. GRCh37 (hg19) VCF-style: chr1-11297985-C-T.
Other names: c.2123G>A, p.Arg708Gln (NM_001386500.1); c.875G>A, p.Arg292Gln (NM_001386501.1); short protein forms R708Q, R292Q.
Identifiers: ClinVar variation 2913520 (VCV002913520.3), dbSNP rs1412858508, ClinGen allele CA338387487.
Genomic context (GRCh38, chr1:11,237,928, plus strand): 5'-GGCATGACAAAGGCAGGGTTCATGCTACTGAGTCGGCCCACAGTGCAGATGGCCAGCTCC[C>T]GGATCTCAAACACCTGGTCATTCAGAGCCACAAACAAGGCCTGCAAGTTCTCCGCCTGGG-3'
Protein context (NP_004949.1, residues 698-718): VALNDQVFEI[Arg708Gln]ELAICTVGRL